The following is an entry in ClinVar:

ClinVar aggregate classification (germline): Uncertain significance. Review status: criteria provided, multiple submitters, no conflicts (2 of 4 stars). 2 submissions from 2 submitters: Uncertain significance (2). Last evaluated 2024-10-01.

Conditions:
Autosomal dominant nocturnal frontal lobe epilepsy 5. Also called: Epilepsy, nocturnal frontal lobe, 5; CILIARY DYSKINESIA, PRIMARY, 28, WITHOUT SITUS INVERSUS; CILIARY DYSKINESIA, PRIMARY, 28, WITH SITUS INVERSUS; KCNT1-Related Epilepsy. Identifiers: Orphanet 98784, MedGen C3554306, MONDO:0014002, OMIM 615005.
Developmental and epileptic encephalopathy, 14 (DEE14). Also called: Early infantile epileptic encephalopathy 14. Identifiers: Orphanet 293181, MedGen C3554195, MONDO:0013989, OMIM 614959.

Allele frequency attached by ClinVar (database versions not stated): TOPMed below 0.00001; gnomAD 0.00001.
gnomAD v4.1: 25 of 1,484,662 alleles (0.0017%); highest among the groups gnomAD compares: Non-Finnish European, 0.0022%; no homozygotes.

Submissions (2):

Labcorp Genetics (formerly Invitae), Labcorp
Classification: Uncertain significance for Autosomal dominant nocturnal frontal lobe epilepsy 5; Developmental and epileptic encephalopathy, 14. Last evaluated: 2024-10-01. Review status: criteria provided, single submitter. Criteria: Invitae Variant Classification Sherloc (09022015). Collection method: clinical testing. Allele origin: germline.
Comment: This sequence change replaces leucine, which is neutral and non-polar, with tryptophan, which is neutral and slightly polar, at codon 64 of the KCNT1 protein (p.Leu64Trp). This variant is not present in population databases (gnomAD no frequency). This variant has not been reported in the literature in individuals affected with KCNT1-related conditions. ClinVar contains an entry for this variant (Variation ID: 565633). Invitae Evidence Modeling of protein sequence and biophysical properties (such as structural, functional, and spatial information, amino acid conservation, physicochemical variation, residue mobility, and thermodynamic stability) has been performed for this missense variant. However, the output from this modeling did not meet the statistical confidence thresholds required to predict the impact of this variant on KCNT1 protein function. In summary, the available evidence is currently insufficient to determine the role of this variant in disease. Therefore, it has been classified as a Variant of Uncertain Significance.

Mayo Clinic Laboratories, Mayo Clinic
Classification: Uncertain significance. Last evaluated: 2023-07-07. Review status: criteria provided, single submitter. Criteria: ACMG Guidelines, 2015. Collection method: clinical testing. Allele origin: germline. Observed: 1 variant allele.
Comment: PP2

NM_020822.3(KCNT1):c.191T>G (p.Leu64Trp)

Gene: KCNT1 (potassium sodium-activated channel subfamily T member 1; plus strand). Cytogenetic location: 9q34.3.
Variant type: single nucleotide variant.
Coding change: c.191T>G on transcript NM_020822.3 (MANE Select); coding-DNA position 191, T replaced by G.
Protein change: p.Leu64Trp; replaces leucine 64 with tryptophan.
Molecular consequence: missense variant. On other transcripts: intron variant (1).
Genome position (GRCh38, 1-based): chr9:135,714,657, T>G. VCF-style: chr9-135714657-T-G. GRCh37 (hg19) VCF-style: chr9-138606503-T-G.
Other names: p.Leu64Trp; c.110+12289T>G (NM_001272003.2); short protein forms L64W.
Identifiers: ClinVar variation 565633 (VCV000565633.10), dbSNP rs1564314603, ClinGen allele CA375493351.